The following is an entry in ClinVar:

NM_005633.4(SOS1):c.3334C>G (p.Pro1112Ala)

Gene: SOS1 (SOS Ras/Rac guanine nucleotide exchange factor 1; minus strand). Cytogenetic location: 2p22.1.
Variant type: single nucleotide variant.
Coding change: c.3334C>G on transcript NM_005633.4 (MANE Select); coding-DNA position 3334, C replaced by G.
Protein change: p.Pro1112Ala; replaces proline 1112 with alanine.
Molecular consequence: missense variant.
Genome position (GRCh38, 1-based): chr2:38,995,135, G>C on the plus strand (C>G on the coding strand, the complement: SOS1 is on the minus strand). VCF-style: chr2-38995135-G-C. GRCh37 (hg19) VCF-style: chr2-39222276-G-C.
Other names: c.3313C>G, p.Pro1105Ala (NM_001382394.1); c.3334C>G, p.Pro1112Ala (NM_001382395.1); short protein forms P1105A, P1112A.
Identifiers: ClinVar variation 2160845 (VCV002160845.4), dbSNP rs999553936, ClinGen allele CA45645952.
Genomic context (GRCh38, chr2:38,995,135, plus strand): 5'-GTATAGTACTAACAAATACCTTAATGCACTTAGAATTTTTGCACCTACTTGAGTGAAAAG[G>C]GCTCGAATGATCGGAATCAAATACACTGCAAACATCTGTGGTACTGGAAGCACCAGAAGC-3'
Protein context (NP_005624.2, residues 1102-1122): CSVFDSDHSS[Pro1112Ala]FHSSNDTVFI

ClinVar aggregate classification (germline): Uncertain significance (1 of 4 stars; one submission).

Conditions:
RASopathy. Also called: rasopathies; Noonan spectrum disorder. Identifiers: Orphanet 536391, MedGen C5555857, MONDO:0021060.

Allele frequency attached by ClinVar (database versions not stated): TOPMed below 0.00001.
gnomAD v4.1: 2 of 1,613,852 alleles (0.00012%); highest among the groups gnomAD compares: Non-Finnish European, 0.00017%; no homozygotes.

Submission:

Labcorp Genetics (formerly Invitae), Labcorp
Classification: Uncertain significance for RASopathy. Last evaluated: 2022-05-17. Review status: criteria provided, single submitter. Criteria: Invitae Variant Classification Sherloc (09022015). Collection method: clinical testing. Allele origin: germline.
Comment: In summary, the available evidence is currently insufficient to determine the role of this variant in disease. Therefore, it has been classified as a Variant of Uncertain Significance. Algorithms developed to predict the effect of missense changes on protein structure and function (SIFT, PolyPhen-2, Align-GVGD) all suggest that this variant is likely to be tolerated. This variant has not been reported in the literature in individuals affected with SOS1-related conditions. This variant is not present in population databases (gnomAD no frequency). This sequence change replaces proline, which is neutral and non-polar, with alanine, which is neutral and non-polar, at codon 1112 of the SOS1 protein (p.Pro1112Ala).